The following is an entry in ClinVar:

NM_000489.6(ATRX):c.715T>C (p.Phe239Leu)

Gene: ATRX (ATRX chromatin remodeler; minus strand). Cytogenetic location: Xq21.1.
Variant type: single nucleotide variant.
Coding change: c.715T>C on transcript NM_000489.6 (MANE Select); coding-DNA position 715, T replaced by C.
Protein change: p.Phe239Leu; replaces phenylalanine 239 with leucine.
Molecular consequence: missense variant.
Genome position (GRCh38, 1-based): chrX:77,684,541, A>G on the plus strand (T>C on the coding strand, the complement: ATRX is on the minus strand). VCF-style: chrX-77684541-A-G. GRCh37 (hg19) VCF-style: chrX-76940033-A-G.
Other names: c.601T>C, p.Phe201Leu (NM_138270.5); short protein forms F201L, F239L.
Identifiers: ClinVar variation 1028793 (VCV001028793.1), dbSNP rs2071445748, ClinGen allele CA413720830.

ClinVar aggregate classification (germline): Uncertain significance (1 of 4 stars; one submission).

Conditions:
Intellectual disability-hypotonic facies syndrome, X-linked, 1 (MRXHF1). Also called: HOLMES-GANG SYNDROME; XLMR-HYPOTONIC FACIES SYNDROME; CHUDLEY-LOWRY SYNDROME; Chudley syndrome 1; Chudley-Lowry-Hoar syndrome; Carpenter-Waziri syndrome. Identifiers: Orphanet 73220, Orphanet 93970, Orphanet 93971, Orphanet 93972, Orphanet 93973, Orphanet 93974, Orphanet 93975, MedGen C4759781, MONDO:0010663, OMIM 309580.

Submission:

Baylor Genetics
Classification: Uncertain significance for Intellectual disability-hypotonic facies syndrome, X-linked, 1. Last evaluated: 2019-11-20. Review status: criteria provided, single submitter. Criteria: ACMG Guidelines, 2015. Collection method: clinical testing. Allele origin: unknown. Affected: yes.
Comment: This variant was determined to be of uncertain significance according to ACMG Guidelines, 2015 [PMID:25741868].